The following is an entry in ClinVar:

NM_013339.4(ALG6):c.-121T>G

Gene: ALG6 (ALG6 alpha-1,3-glucosyltransferase; plus strand). Cytogenetic location: 1p31.3.
Variant type: single nucleotide variant.
Coding change: c.-121T>G on transcript NM_013339.4 (MANE Select); 121 bases upstream of the start codon, T replaced by G.
Molecular consequence: 5 prime UTR variant.
Genome position (GRCh38, 1-based): chr1:63,370,857, T>G. VCF-style: chr1-63370857-T-G. GRCh37 (hg19) VCF-style: chr1-63836528-T-G.
Identifiers: ClinVar variation 875355 (VCV000875355.6), dbSNP rs116034504, ClinGen allele CA23799201.

ClinVar aggregate classification (germline): Likely benign. Review status: criteria provided, multiple submitters, no conflicts (2 of 4 stars). 3 submissions from 3 submitters: Likely benign (3). Last evaluated 2021-05-24.

Conditions:
ALG6-congenital disorder of glycosylation 1C (CDG1C). Also called: CARBOHYDRATE-DEFICIENT GLYCOPROTEIN SYNDROME, TYPE I, WITH DEFICIENT GLYCOSYLATION OF DOLICHOL-LINKED OLIGOSACCHARIDE; CARBOHYDRATE-DEFICIENT GLYCOPROTEIN SYNDROME, TYPE V; Congenital disorder of glycosylation type 1C; CDG Ic; Congenital disorder of glycosylation, type Ic. Identifiers: Orphanet 79320, MedGen C2930997, MONDO:0011291, OMIM 603147.

Allele frequency attached by ClinVar (database versions not stated): gnomAD exomes 0.00112; 1000 Genomes Project 0.00759; 1000 Genomes Project 30x 0.00796; gnomAD 0.00911 and 0.00994; TOPMed 0.01060.
gnomAD v4.1: 2,108 of 756,924 alleles (0.28%); highest among the groups gnomAD compares: African/African-American, 3.2%; 33 homozygotes.

Submissions (3):

GeneDx
Classification: Likely benign. Last evaluated: 2021-05-24. Review status: criteria provided, single submitter. Criteria: GeneDx Variant Classification Process June 2021. Collection method: clinical testing. Allele origin: germline. Affected: yes.

Illumina Laboratory Services, Illumina
Classification: Likely benign for ALG6-congenital disorder of glycosylation 1C. Last evaluated: 2018-01-12. Review status: criteria provided, single submitter. Criteria: ICSL Variant Classification Criteria 13 December 2019. Collection method: clinical testing. Allele origin: germline.
Comment: This variant was observed in the ICSL laboratory as part of a predisposition screen in an ostensibly healthy population. It had not been previously curated by ICSL or reported in the Human Gene Mutation Database (HGMD: prior to June 1st, 2018), and was therefore a candidate for classification through an automated scoring system. Utilizing variant allele frequency, disease prevalence and penetrance estimates, and inheritance mode, an automated score was calculated to assess if this variant is too frequent to cause the disease. Based on the score and internal cut-off values, a variant classified as likely benign is not then subjected to further curation. The score for this variant resulted in a classification of likely benign for this disease.

Breakthrough Genomics
Classification: Likely benign. Review status: criteria provided, single submitter. Criteria: ACMG Guidelines, 2015. Collection method: not provided. Allele origin: germline. Inheritance: Autosomal recessive inheritance. Affected: yes.